The following is an entry in ClinVar:

ClinVar aggregate classification (germline): Pathogenic/Likely pathogenic. Review status: criteria provided, multiple submitters, no conflicts (2 of 4 stars). 2 submissions from 2 submitters: Pathogenic (1); Likely pathogenic (1). Last evaluated 2025-08-26.

Conditions:
Autosomal recessive spinocerebellar ataxia 16. Identifiers: Orphanet 412057, MedGen C5190574, MONDO:0014339, OMIM 615768.

Submissions (2):

First Genomix Gene Laboratory, Genetic Diagnostics Department
Classification: Likely pathogenic for Autosomal recessive spinocerebellar ataxia 16. Last evaluated: 2025-08-26. Review status: criteria provided, single submitter. Criteria: ACMG Guidelines, 2015. Collection method: clinical testing. Allele origin: germline. Inheritance: Autosomal recessive inheritance. Affected: no. Observed: 1 variant allele.

Molecular Diagnostics Laboratory, M Health Fairview: University of Minnesota
Classification: Pathogenic for Autosomal recessive spinocerebellar ataxia 16. Last evaluated: 2018-12-14. Review status: criteria provided, single submitter. Criteria: ACMG Guidelines, 2015. Collection method: clinical testing. Allele origin: germline. Affected: yes. Observed: 1 variant allele. Segregation with disease observed.

NM_005861.4(STUB1):c.885dup (p.Glu296Ter)

Genes: JMJD8 (jumonji domain containing 8; minus strand), STUB1 (STIP1 homology and U-box containing protein 1; plus strand). Cytogenetic location: 16p13.3.
Variant type: Duplication.
Coding change: c.885dup on transcript NM_005861.4 (MANE Select); coding-DNA position 885, one base duplicated (T; older notation c.885dupT).
Protein change: p.Glu296Ter; replaces glutamic acid 296 with a stop codon.
Molecular consequence: nonsense. On other transcripts: 3 prime UTR variant (5), non-coding transcript variant (3).
Genome position (GRCh38, 1-based): chr16:682,462, T duplicated. VCF-style (leftmost placement, unchanged base first): chr16-682461-C-CT. GRCh37 (hg19) VCF-style: chr16-732461-C-CT.
Other names: c.885dupT (NM_005861.4); c.669dup, p.Glu224Ter (NM_001293197.2); c.*332dup (NM_001005920.4, NM_001323919.3, NM_001323920.3); c.*366dup (NM_001323918.3, NM_001323922.3); short protein forms E224*, E296*.
Identifiers: ClinVar variation 623185 (VCV000623185.1), dbSNP rs1567283195, ClinGen allele CA913191249.